The following is an entry in ClinVar:

ClinVar aggregate classification (germline): Uncertain significance (1 of 4 stars; one submission).

Conditions:
Sclerosteosis 2 (SOST2). Identifiers: Orphanet 3152, MedGen C3280402, MONDO:0013679, OMIM 614305.
Congenital myasthenic syndrome 17. Identifiers: Orphanet 590, MedGen C4225377, MONDO:0014578, OMIM 616304.
Cenani-Lenz syndactyly syndrome. Also called: CENANI SYNDACTYLISM; SYNDACTYLY, TYPE VII. Identifiers: Orphanet 3258, MedGen C1859309, MONDO:0008931, OMIM 212780.

gnomAD v4.1: 9 of 1,614,076 alleles (0.00056%); highest among the groups gnomAD compares: Non-Finnish European, 0.00076%; no homozygotes.

Submission:

Labcorp Genetics (formerly Invitae), Labcorp
Classification: Uncertain significance for Cenani-Lenz syndactyly syndrome; Sclerosteosis 2; Congenital myasthenic syndrome 17. Last evaluated: 2025-10-23. Review status: criteria provided, single submitter. Criteria: Invitae Variant Classification Sherloc (09022015). Collection method: clinical testing. Allele origin: germline.
Comment: This sequence change replaces serine, which is neutral and polar, with proline, which is neutral and non-polar, at codon 1817 of the LRP4 protein (p.Ser1817Pro). This variant is not present in population databases (gnomAD no frequency). This variant has not been reported in the literature in individuals affected with LRP4-related conditions. Invitae Evidence Modeling of protein sequence and biophysical properties (such as structural, functional, and spatial information, amino acid conservation, physicochemical variation, residue mobility, and thermodynamic stability) indicates that this missense variant is not expected to disrupt LRP4 protein function with a negative predictive value of 80%. In summary, the available evidence is currently insufficient to determine the role of this variant in disease. Therefore, it has been classified as a Variant of Uncertain Significance.

NM_002334.4(LRP4):c.5449T>C (p.Ser1817Pro)

Genes: LRP4 (LDL receptor related protein 4; minus strand), LRP4-AS1 (LRP4 antisense RNA 1; plus strand). Cytogenetic location: 11p11.2.
Variant type: single nucleotide variant.
Coding change: c.5449T>C on transcript NM_002334.4 (MANE Select); coding-DNA position 5449, T replaced by C.
Protein change: p.Ser1817Pro; replaces serine 1817 with proline.
Molecular consequence: missense variant.
Genome position (GRCh38, 1-based): chr11:46,859,252, A>G on the plus strand (T>C on the coding strand, the complement: LRP4 is on the minus strand). VCF-style: chr11-46859252-A-G. GRCh37 (hg19) VCF-style: chr11-46880803-A-G.
Other names: short protein forms S1817P.
Identifiers: ClinVar variation 4790649 (VCV004790649.1).
Genomic context (GRCh38, chr11:46,859,252, plus strand): 5'-GGAGGCCCCCCCGTGAGCTTCGCAGTTGCTTGAGGTCATCCCACTCAGCATCATCCCCAG[A>G]CAGGAGGCAGATTCCCTCTACGATCTTGATCTTCTCCTTGGTGTAGTTATGGTCAGGCCC-3'
Protein context (NP_002325.2, residues 1807-1827): IKIVEGICLL[Ser1817Pro]GDDAEWDDLK